The following is an entry in ClinVar:

ClinVar aggregate classification (germline): Benign. Review status: criteria provided, multiple submitters, no conflicts (2 of 4 stars). 3 submissions from 3 submitters: Benign (3). Last evaluated 2026-09-01.

Allele frequency attached by ClinVar (database versions not stated): 1000 Genomes Project 0.00359; 1000 Genomes Project 30x 0.00468; gnomAD 0.00668 and 0.00693; TOPMed 0.00694; ESP Exome Variant Server 0.00709.
gnomAD v4.1: 17,177 of 1,596,924 alleles (1.1%); highest among the groups gnomAD compares: Non-Finnish European, 1.3%; 126 homozygotes.

Submissions (3):

CeGaT Center for Human Genetics Tuebingen
Classification: Benign. Last evaluated: 2026-09-01. Review status: criteria provided, single submitter. Criteria: CeGaT Center For Human Genetics Tuebingen Variant Classification Criteria Version 2. Collection method: clinical testing. Allele origin: germline. Affected: yes. Observed: 87 variant alleles.
Comment: PTPN23: BS1, BS2

Labcorp Genetics (formerly Invitae), Labcorp
Classification: Benign. Last evaluated: 2026-01-28. Review status: criteria provided, single submitter. Criteria: Invitae Variant Classification Sherloc (09022015). Collection method: clinical testing. Allele origin: germline.

Breakthrough Genomics
Classification: Benign. Review status: criteria provided, single submitter. Criteria: ACMG Guidelines, 2015. Collection method: not provided. Allele origin: germline. Inheritance: Autosomal recessive inheritance. Affected: yes.

NM_015466.4(PTPN23):c.3295C>T (p.Pro1099Ser)

Gene: PTPN23 (protein tyrosine phosphatase non-receptor type 23; plus strand). Cytogenetic location: 3p21.31.
Variant type: single nucleotide variant.
Coding change: c.3295C>T on transcript NM_015466.4 (MANE Select); coding-DNA position 3295, C replaced by T.
Protein change: p.Pro1099Ser; replaces proline 1099 with serine.
Molecular consequence: missense variant.
Genome position (GRCh38, 1-based): chr3:47,411,093, C>T. VCF-style: chr3-47411093-C-T. GRCh37 (hg19) VCF-style: chr3-47452583-C-T.
Other names: c.2917C>T, p.Pro973Ser (NM_001304482.2); short protein forms P1099S, P973S.
Identifiers: ClinVar variation 1600845 (VCV001600845.39), dbSNP rs149563514, ClinGen allele CA2366238.